The following is an entry in ClinVar:

NM_004958.4(MTOR):c.5258A>T (p.Lys1753Ile)

Gene: MTOR (mechanistic target of rapamycin kinase; minus strand). Cytogenetic location: 1p36.22.
Variant type: single nucleotide variant.
Coding change: c.5258A>T on transcript NM_004958.4 (MANE Select); coding-DNA position 5258, A replaced by T.
Protein change: p.Lys1753Ile; replaces lysine 1753 with isoleucine.
Molecular consequence: missense variant.
Genome position (GRCh38, 1-based): chr1:11,133,186, T>A on the plus strand (A>T on the coding strand, the complement: MTOR is on the minus strand). VCF-style: chr1-11133186-T-A. GRCh37 (hg19) VCF-style: chr1-11193243-T-A.
Other names: c.5258A>T, p.Lys1753Ile (NM_001386500.1); c.4010A>T, p.Lys1337Ile (NM_001386501.1); short protein forms K1337I, K1753I.
Identifiers: ClinVar variation 2443424 (VCV002443424.1), dbSNP rs2522368790, ClinGen allele CA338400247.

ClinVar aggregate classification (germline): Uncertain significance (1 of 4 stars; one submission).

Submission:

GeneDx
Classification: Uncertain significance. Last evaluated: 2022-09-12. Review status: criteria provided, single submitter. Criteria: GeneDx Variant Classification Process June 2021. Collection method: clinical testing. Allele origin: germline. Affected: yes.
Comment: Not observed at significant frequency in large population cohorts (gnomAD); In silico analysis supports that this missense variant has a deleterious effect on protein structure/function; Has not been previously published as pathogenic or benign to our knowledge